The following is an entry in ClinVar:

NM_005629.4(SLC6A8):c.551T>A (p.Ile184Asn)

Gene: SLC6A8 (solute carrier family 6 member 8; plus strand). Cytogenetic location: Xq28.
Variant type: single nucleotide variant.
Coding change: c.551T>A on transcript NM_005629.4 (MANE Select); coding-DNA position 551, T replaced by A.
Protein change: p.Ile184Asn; replaces isoleucine 184 with asparagine.
Molecular consequence: missense variant.
Genome position (GRCh38, 1-based): chrX:153,691,460, T>A. VCF-style: chrX-153691460-T-A. GRCh37 (hg19) VCF-style: chrX-152956915-T-A.
Other names: c.551T>A, p.Ile184Asn (NM_001142805.2); c.206T>A, p.Ile69Asn (NM_001142806.1); short protein forms I184N, I69N.
Identifiers: ClinVar variation 2574407 (VCV002574407.1), dbSNP rs2522156231, ClinGen allele CA415079090.
Genomic context (GRCh38, chrX:153,691,460, plus strand): 5'-CCACCACGCTGCCCTGGGCCACATGTGGCCACACCTGGAACACTCCCGACTGCGTGGAGA[T>A]CTTCCGCCATGAAGACTGTGCCAATGCCAGCCTGGCCAACCTCACCTGTGACCAGCTTGC-3'
Protein context (NP_005620.1, residues 174-194): HTWNTPDCVE[Ile184Asn]FRHEDCANAS

ClinVar aggregate classification (germline): Uncertain significance (1 of 4 stars; one submission).

Submission:

GeneDx
Classification: Uncertain significance. Last evaluated: 2023-01-25. Review status: criteria provided, single submitter. Criteria: GeneDx Variant Classification Process June 2021. Collection method: clinical testing. Allele origin: germline. Affected: yes.
Comment: Not observed at significant frequency in large population cohorts (gnomAD); In silico analysis supports that this missense variant does not alter protein structure/function; Has not been previously published as pathogenic or benign to our knowledge